The following is an entry in ClinVar:

NM_002227.4(JAK1):c.3109G>A (p.Val1037Ile)

Gene: JAK1 (Janus kinase 1; minus strand). Cytogenetic location: 1p31.3.
Variant type: single nucleotide variant.
Coding change: c.3109G>A on transcript NM_002227.4 (MANE Select); coding-DNA position 3109, G replaced by A.
Protein change: p.Val1037Ile; replaces valine 1037 with isoleucine.
Molecular consequence: missense variant.
Genome position (GRCh38, 1-based): chr1:64,837,963, C>T on the plus strand (G>A on the coding strand, the complement: JAK1 is on the minus strand). VCF-style: chr1-64837963-C-T. GRCh37 (hg19) VCF-style: chr1-65303646-C-T.
Other names: c.3109G>A, p.Val1037Ile (NM_001321853.2, NM_001321854.2, NM_001321855.2 and 3 more transcripts); c.3106G>A, p.Val1036Ile (NM_001321857.2); short protein forms V1036I, V1037I.
Identifiers: ClinVar variation 3610036 (VCV003610036.2).

ClinVar aggregate classification (germline): Uncertain significance (1 of 4 stars; one submission).

gnomAD v4.1: 5 of 1,613,844 alleles (0.00031%); highest among the groups gnomAD compares: Non-Finnish European, 0.00034%; no homozygotes.

Submission:

Labcorp Genetics (formerly Invitae), Labcorp
Classification: Uncertain significance. Last evaluated: 2024-09-14. Review status: criteria provided, single submitter. Criteria: Invitae Variant Classification Sherloc (09022015). Collection method: clinical testing. Allele origin: germline.
Comment: This sequence change replaces valine, which is neutral and non-polar, with isoleucine, which is neutral and non-polar, at codon 1037 of the JAK1 protein (p.Val1037Ile). This variant is not present in population databases (gnomAD no frequency). This variant has not been reported in the literature in individuals affected with JAK1-related conditions. Invitae Evidence Modeling of protein sequence and biophysical properties (such as structural, functional, and spatial information, amino acid conservation, physicochemical variation, residue mobility, and thermodynamic stability) indicates that this missense variant is not expected to disrupt JAK1 protein function with a negative predictive value of 80%. In summary, the available evidence is currently insufficient to determine the role of this variant in disease. Therefore, it has been classified as a Variant of Uncertain Significance.